The following is an entry in ClinVar:

ClinVar aggregate classification (germline): Uncertain significance. Review status: criteria provided, multiple submitters, no conflicts (2 of 4 stars). 2 submissions from 2 submitters: Uncertain significance (2). Last evaluated 2025-11-20.

Conditions:
Primary ciliary dyskinesia. Also called: Ciliary dyskinesia. Identifiers: Orphanet 244, MedGen C0008780, MONDO:0016575, HP:0012265.

gnomAD v4.1: 33 of 1,614,016 alleles (0.002%); highest among the groups gnomAD compares: East Asian, 0.038%; no homozygotes.

Submissions (2):

Ambry Genetics
Classification: Uncertain significance for Primary ciliary dyskinesia. Last evaluated: 2025-11-20. Review status: criteria provided, single submitter. Criteria: Ambry Variant Classification Scheme 2023. Collection method: clinical testing. Allele origin: germline.

Labcorp Genetics (formerly Invitae), Labcorp
Classification: Uncertain significance for Primary ciliary dyskinesia. Last evaluated: 2022-06-09. Review status: criteria provided, single submitter. Criteria: Invitae Variant Classification Sherloc (09022015). Collection method: clinical testing. Allele origin: germline.
Comment: In summary, the available evidence is currently insufficient to determine the role of this variant in disease. Therefore, it has been classified as a Variant of Uncertain Significance. Algorithms developed to predict the effect of missense changes on protein structure and function output the following: SIFT: "Tolerated"; PolyPhen-2: "Benign"; Align-GVGD: "Class C0". The histidine amino acid residue is found in multiple mammalian species, which suggests that this missense change does not adversely affect protein function. This variant has not been reported in the literature in individuals affected with CCDC40-related conditions. This variant is present in population databases (rs778921041, gnomAD 0.003%). This sequence change replaces arginine, which is basic and polar, with histidine, which is basic and polar, at codon 988 of the CCDC40 protein (p.Arg988His).

NM_017950.4(CCDC40):c.2963G>A (p.Arg988His)

Gene: CCDC40 (coiled-coil domain 40 molecular ruler complex subunit; plus strand). Cytogenetic location: 17q25.3.
Variant type: single nucleotide variant.
Coding change: c.2963G>A on transcript NM_017950.4 (MANE Select); coding-DNA position 2963, G replaced by A.
Protein change: p.Arg988His; replaces arginine 988 with histidine.
Molecular consequence: missense variant.
Genome position (GRCh38, 1-based): chr17:80,095,393, G>A. VCF-style: chr17-80095393-G-A. GRCh37 (hg19) VCF-style: chr17-78069192-G-A.
Other names: c.2963G>A (NM_017950.3); short protein forms R988H.
Identifiers: ClinVar variation 1420576 (VCV001420576.6), dbSNP rs778921041, ClinGen allele CA8814563.